The following is an entry in ClinVar:

ClinVar aggregate classification (germline): Uncertain significance (1 of 4 stars; one submission).

Conditions:
Cataract 33. Also called: CATARACT 33, CORTICAL. Identifiers: Orphanet 91492, MedGen C3808107, MONDO:0012665, OMIM 611391.

Submission:

Labcorp Genetics (formerly Invitae), Labcorp
Classification: Uncertain significance for Cataract 33. Last evaluated: 2022-05-10. Review status: criteria provided, single submitter. Criteria: Invitae Variant Classification Sherloc (09022015). Collection method: clinical testing. Allele origin: germline.
Comment: Algorithms developed to predict the effect of sequence changes on RNA splicing suggest that this variant may disrupt the consensus splice site. This variant is not present in population databases (gnomAD no frequency). This variant has not been reported in the literature in individuals affected with BFSP1-related conditions. This sequence change affects codon 343 of the BFSP1 mRNA. It is a 'silent' change, meaning that it does not change the encoded amino acid sequence of the BFSP1 protein. In summary, the available evidence is currently insufficient to determine the role of this variant in disease. Therefore, it has been classified as a Variant of Uncertain Significance.

NM_001195.5(BFSP1):c.1029A>G (p.Gly343=)

Gene: BFSP1 (beaded filament structural protein 1; minus strand). Cytogenetic location: 20p12.1.
Variant type: single nucleotide variant.
Coding change: c.1029A>G on transcript NM_001195.5 (MANE Select); coding-DNA position 1029, A replaced by G.
Protein change: p.Gly343=; no amino-acid change (glycine 343 retained).
Molecular consequence: synonymous variant.
Genome position (GRCh38, 1-based): chr20:17,496,951, T>C on the plus strand (A>G on the coding strand, the complement: BFSP1 is on the minus strand). VCF-style: chr20-17496951-T-C. GRCh37 (hg19) VCF-style: chr20-17477596-T-C.
Other names: c.654A>G, p.Gly218= (NM_001161705.2); c.612A>G, p.Gly204= (NM_001278606.2, NM_001278608.2); c.696A>G, p.Gly232= (NM_001278607.2).
Identifiers: ClinVar variation 2128124 (VCV002128124.4), dbSNP rs2515062275, ClinGen allele CA509581351.